The following is an entry in ClinVar:

ClinVar aggregate classification (germline): Benign/Likely benign. Review status: criteria provided, multiple submitters, no conflicts (2 of 4 stars). 3 submissions from 3 submitters: Benign (2); Likely benign (1). Last evaluated 2025-05-14.

Conditions:
Ehlers-Danlos syndrome, kyphoscoliotic type 1 (EDSKSCL1). Also called: EHLERS-DANLOS SYNDROME, TYPE VIA; Ehlers-Danlos syndrome, hydroxylysine-deficient; EHLERS-DANLOS SYNDROME, OCULAR-SCOLIOTIC TYPE; PLOD1-Related Kyphoscoliotic Ehlers-Danlos Syndrome. Identifiers: Orphanet 1900, MedGen C0268342, MONDO:0016002, OMIM 225400. Disease mechanism: loss of function.

Allele frequency attached by ClinVar (database versions not stated): TOPMed 0.00146; gnomAD exomes 0.00214; gnomAD 0.00401; 1000 Genomes Project 30x 0.00687; ExAC 0.00752; 1000 Genomes Project 0.00819.
gnomAD v4.1: 3,238 of 1,361,536 alleles (0.24%); highest among the groups gnomAD compares: East Asian, 2.8%; 45 homozygotes.

Submissions (3):

ARUP Laboratories, Molecular Genetics and Genomics, ARUP Laboratories
Classification: Benign for Ehlers-Danlos syndrome, kyphoscoliotic type 1. Last evaluated: 2025-05-14. Review status: criteria provided, single submitter. Criteria: ARUP Molecular Germline Variant Investigation Process 2024. Collection method: clinical testing. Allele origin: germline.

Molecular Diagnostic Laboratory for Inherited Cardiovascular Disease, Montreal Heart Institute
Classification: Benign. Last evaluated: 2025-04-09. Review status: criteria provided, single submitter. Criteria: ACMG Guidelines, 2015. Collection method: clinical testing. Allele origin: germline. Affected: no.
Comment: BS1;BP6

Blueprint Genetics
Classification: Likely benign. Last evaluated: 2024-11-19. Review status: criteria provided, single submitter. Criteria: ACMG Guidelines, 2015. Collection method: clinical testing. Allele origin: germline.

NM_000302.4(PLOD1):c.77-3339C>T

Genes: PLOD1 (procollagen-lysine,2-oxoglutarate 5-dioxygenase 1; plus strand), LOC112577486 (Sharpr-MPRA regulatory region 8260; plus strand). Cytogenetic location: 1p36.22.
Variant type: single nucleotide variant.
Coding change: c.77-3339C>T on transcript NM_000302.4 (MANE Select); 3339 bases into the intron before coding-DNA position 77, C replaced by T.
Molecular consequence: intron variant. On other transcripts: synonymous variant (1).
Genome position (GRCh38, 1-based): chr1:11,944,637, C>T. VCF-style: chr1-11944637-C-T. GRCh37 (hg19) VCF-style: chr1-12004694-C-T.
Other names: c.192C>T, p.Ile64= (NM_001316320.2).
Identifiers: ClinVar variation 2921261 (VCV002921261.5), dbSNP rs78727544, ClinGen allele CA597750.